The following is an entry in ClinVar:

ClinVar aggregate classification (germline): Pathogenic (1 of 4 stars; one submission).
ClinVar aggregate classification (oncogenicity): Likely oncogenic (1 of 4 stars; one submission).

Conditions:
Neoplasm. Also called: tumor; Neoplasms; Neoplasm (disease). Identifiers: MedGen C0027651, MeSH D009369, MONDO:0005070, HP:0002664.

Submissions (2):

Center for Genomic Medicine, Rigshospitalet, Copenhagen University Hospital
Classification: Likely oncogenic for Neoplasm. Last evaluated: 2025-03-04. Review status: criteria provided, single submitter. Criteria: ClinGen/CGC/VICC Guidelines for Oncogenicity, 2022. Collection method: clinical testing. Allele origin: somatic. Affected: yes.

Labcorp Genetics (formerly Invitae), Labcorp
Classification: Pathogenic. Last evaluated: 2024-06-13. Review status: criteria provided, single submitter. Criteria: Invitae Variant Classification Sherloc (09022015). Collection method: clinical testing. Allele origin: germline.
Comment: This sequence change creates a premature translational stop signal (p.Trp168*) in the TNFAIP3 gene. It is expected to result in an absent or disrupted protein product. Loss-of-function variants in TNFAIP3 are known to be pathogenic (PMID: 26642243). This variant is not present in population databases (gnomAD no frequency). This variant has not been reported in the literature in individuals affected with TNFAIP3-related conditions. Algorithms developed to predict the effect of sequence changes on RNA splicing suggest that this variant may disrupt the consensus splice site. For these reasons, this variant has been classified as Pathogenic.

Literature cited by the submitters: PubMed 26642243 (cited by Labcorp Genetics (formerly Invitae), Labcorp).

NM_001270508.2(TNFAIP3):c.503G>A (p.Trp168Ter)

Genes: TNFAIP3 (TNF alpha induced protein 3; plus strand), LOC126859807 (MED14-independent group 3 enhancer GRCh37_chr6:138196296-138197495; plus strand). Cytogenetic location: 6q23.3.
Variant type: single nucleotide variant.
Coding change: c.503G>A on transcript NM_001270508.2 (MANE Select); coding-DNA position 503, G replaced by A.
Protein change: p.Trp168Ter; replaces tryptophan 168 with a stop codon.
Molecular consequence: nonsense.
Genome position (GRCh38, 1-based): chr6:137,875,704, G>A. VCF-style: chr6-137875704-G-A. GRCh37 (hg19) VCF-style: chr6-138196841-G-A.
Other names: c.503G>A, p.Trp168Ter (NM_001270507.2, NM_006290.4); short protein forms W168*.
Identifiers: ClinVar variation 3257889 (VCV003257889.4).
Genomic context (GRCh38, chr6:137,875,704, plus strand): 5'-GTACAGGATACATTCAAGCTTTTTTTTCACCCCGCTCCCCTTAGAACTGGAATGATGAAT[G>A]GGACAATCTTATCAAAATGGCTTCCACAGACACACCCATGGCCCGAAGTGGACTTCAGTA-3'